The following is an entry in ClinVar:

NM_001429.4(EP300):c.5671C>G (p.Gln1891Glu)

Gene: EP300 (EP300 lysine acetyltransferase; plus strand). Cytogenetic location: 22q13.2.
Variant type: single nucleotide variant.
Coding change: c.5671C>G on transcript NM_001429.4 (MANE Select); coding-DNA position 5671, C replaced by G.
Protein change: p.Gln1891Glu; replaces glutamine 1891 with glutamic acid.
Molecular consequence: missense variant.
Genome position (GRCh38, 1-based): chr22:41,177,382, C>G. VCF-style: chr22-41177382-C-G. GRCh37 (hg19) VCF-style: chr22-41573386-C-G.
Other names: c.5593C>G, p.Gln1865Glu (NM_001362843.2); short protein forms Q1865E, Q1891E.
Identifiers: ClinVar variation 1683981 (VCV001683981.3), dbSNP rs2145517044, ClinGen allele CA411709562.

ClinVar aggregate classification (germline): Uncertain significance (1 of 4 stars; one submission).

Submission:

GeneDx
Classification: Uncertain significance. Last evaluated: 2026-01-18. Review status: criteria provided, single submitter. Criteria: GeneDx Variant Classification Process June 2021. Collection method: clinical testing. Allele origin: germline. Affected: yes.
Comment: In silico analysis suggests that this missense variant does not alter protein structure/function; Not observed at significant frequency in large population cohorts (gnomAD); Has not been previously published as pathogenic or benign to our knowledge